The following is an entry in ClinVar:

NM_002755.4(MAP2K1):c.772G>A (p.Val258Ile)

Gene: MAP2K1 (mitogen-activated protein kinase kinase 1; plus strand). Cytogenetic location: 15q22.31.
Variant type: single nucleotide variant.
Coding change: c.772G>A on transcript NM_002755.4 (MANE Select); coding-DNA position 772, G replaced by A.
Protein change: p.Val258Ile; replaces valine 258 with isoleucine.
Molecular consequence: missense variant.
Genome position (GRCh38, 1-based): chr15:66,485,068, G>A. VCF-style: chr15-66485068-G-A. GRCh37 (hg19) VCF-style: chr15-66777406-G-A.
Other names: short protein forms V258I.
Identifiers: ClinVar variation 1057213 (VCV001057213.9), dbSNP rs753236280, ClinGen allele CA7624016.

ClinVar aggregate classification (germline): Uncertain significance (1 of 4 stars; one submission).

Conditions:
RASopathy. Also called: rasopathies; Noonan spectrum disorder. Identifiers: Orphanet 536391, MedGen C5555857, MONDO:0021060.

Allele frequency attached by ClinVar (database versions not stated): gnomAD exomes 0.00001; ExAC 0.00002.
gnomAD v4.1: 11 of 1,613,976 alleles (0.00068%); highest among the groups gnomAD compares: South Asian, 0.012%; no homozygotes.

Submission:

Labcorp Genetics (formerly Invitae), Labcorp
Classification: Uncertain significance for RASopathy. Last evaluated: 2025-10-17. Review status: criteria provided, single submitter. Criteria: Invitae Variant Classification Sherloc (09022015). Collection method: clinical testing. Allele origin: germline.
Comment: This sequence change replaces valine, which is neutral and non-polar, with isoleucine, which is neutral and non-polar, at codon 258 of the MAP2K1 protein (p.Val258Ile). This variant is present in population databases (rs753236280, gnomAD 0.01%). This variant has not been reported in the literature in individuals affected with MAP2K1-related conditions. ClinVar contains an entry for this variant (Variation ID: 1057213). Invitae Evidence Modeling of protein sequence and biophysical properties (such as structural, functional, and spatial information, amino acid conservation, physicochemical variation, residue mobility, and thermodynamic stability) indicates that this missense variant is not expected to disrupt MAP2K1 protein function with a negative predictive value of 95%. In summary, the available evidence is currently insufficient to determine the role of this variant in disease. Therefore, it has been classified as a Variant of Uncertain Significance.